The following is an entry in ClinVar:

ClinVar aggregate classification (germline): Likely benign. Review status: criteria provided, single submitter (1 of 4 stars). 2 submissions from 2 submitters: Likely benign (1). 1 of the submissions does not count toward it. Last evaluated 2026-01-06.

Conditions:
FAT1-related disorder. Also called: FAT1-related condition.

Allele frequency attached by ClinVar (database versions not stated): gnomAD exomes 0.00044; ExAC 0.00063; 1000 Genomes Project 0.00140; 1000 Genomes Project 30x 0.00156; gnomAD 0.00175 and 0.00192; TOPMed 0.00207; ESP Exome Variant Server 0.00214.
gnomAD v4.1: 556 of 1,613,930 alleles (0.034%); highest among the groups gnomAD compares: African/African-American, 0.6%; 2 homozygotes.

Submissions (2):

Labcorp Genetics (formerly Invitae), Labcorp
Classification: Likely benign. Last evaluated: 2026-01-06. Review status: criteria provided, single submitter. Criteria: Invitae Variant Classification Sherloc (09022015). Collection method: clinical testing. Allele origin: germline.

PreventionGenetics, part of Exact Sciences
Classification: Likely benign for FAT1-related condition. Last evaluated: 2019-06-28. Review status: no assertion criteria provided. Collection method: clinical testing. Allele origin: germline. Not counted in ClinVar's aggregate classification.
Comment: This variant is classified as likely benign based on ACMG/AMP sequence variant interpretation guidelines (Richards et al. 2015 PMID: 25741868, with internal and published modifications).

NM_005245.4(FAT1):c.4717G>C (p.Glu1573Gln)

Gene: FAT1 (FAT atypical cadherin 1; minus strand). Cytogenetic location: 4q35.2.
Variant type: single nucleotide variant.
Coding change: c.4717G>C on transcript NM_005245.4 (MANE Select); coding-DNA position 4717, G replaced by C.
Protein change: p.Glu1573Gln; replaces glutamic acid 1573 with glutamine.
Molecular consequence: missense variant.
Genome position (GRCh38, 1-based): chr4:186,628,247, C>G on the plus strand (G>C on the coding strand, the complement: FAT1 is on the minus strand). VCF-style: chr4-186628247-C-G. GRCh37 (hg19) VCF-style: chr4-187549401-C-G.
Other names: short protein forms E1573Q.
Identifiers: ClinVar variation 791995 (VCV000791995.11), dbSNP rs138797966, ClinGen allele CA3166633.